The following is an entry in ClinVar:

NM_006767.4(LZTR1):c.2089C>T (p.Arg697Trp)

Gene: LZTR1 (leucine zipper like post translational regulator 1; plus strand). Cytogenetic location: 22q11.21.
Variant type: single nucleotide variant.
Coding change: c.2089C>T on transcript NM_006767.4 (MANE Select); coding-DNA position 2089, C replaced by T.
Protein change: p.Arg697Trp; replaces arginine 697 with tryptophan.
Molecular consequence: missense variant.
Genome position (GRCh38, 1-based): chr22:20,995,982, C>T. VCF-style: chr22-20995982-C-T. GRCh37 (hg19) VCF-style: chr22-21350271-C-T.
Other names: short protein forms R697W.
Identifiers: ClinVar variation 1052307 (VCV001052307.19), dbSNP rs751516987, ClinGen allele CA10119241.
Genomic context (GRCh38, chr22:20,995,982, plus strand): 5'-GTTCTGCTGACGGCCAGGTGCCTACCGCTCGTTGTCTGCAGCTACTTTGAAGCCATGTTC[C>T]GGTCCTTCATGCCCGAAGATGGGCAGGTGAACATCTCCATCGGGGAGATGGTGCCCAGCA-3'
Protein context (NP_006758.2, residues 687-707): ARSSYFEAMF[Arg697Trp]SFMPEDGQVN

ClinVar aggregate classification (germline): Conflicting classifications of pathogenicity. Review status: criteria provided, conflicting classifications (1 of 4 stars). 6 submissions from 6 submitters: Likely pathogenic (1); Uncertain significance (5). Last evaluated 2026-09-01.

Conditions:
Cardiovascular phenotype. Identifiers: MedGen CN230736.
Hereditary cancer-predisposing syndrome. Also called: Neoplastic Syndromes, Hereditary; Hereditary neoplastic syndrome; Tumor predisposition; Hereditary Cancer Syndrome. Identifiers: Orphanet 140162, MedGen C0027672, MeSH D009386, MONDO:0015356.
Noonan syndrome 10 (NS10). Identifiers: Orphanet 648, MedGen C4225280, MONDO:0014693, OMIM 616564.
LZTR1-related schwannomatosis. Also called: Schwannomatosis-2, susceptibility to; Schwannomatosis 2. Identifiers: Orphanet 93921, MedGen C3810283, MONDO:0014299, OMIM 615670.

Allele frequency attached by ClinVar (database versions not stated): ExAC 0.00002; gnomAD exomes 0.00002; TOPMed 0.00004; gnomAD 0.00006 and 0.00007.
gnomAD v4.1: 42 of 1,613,646 alleles (0.0026%); highest among the groups gnomAD compares: African/African-American, 0.0093%; no homozygotes.

Submissions (6):

CeGaT Center for Human Genetics Tuebingen
Classification: Likely pathogenic. Last evaluated: 2026-09-01. Review status: criteria provided, single submitter. Criteria: CeGaT Center For Human Genetics Tuebingen Variant Classification Criteria Version 2. Collection method: clinical testing. Allele origin: germline. Affected: yes. Observed: 1 variant allele.
Comment: LZTR1: PM1, PM5, PP3, PS4:Supporting

Labcorp Genetics (formerly Invitae), Labcorp
Classification: Uncertain significance. Last evaluated: 2025-12-10. Review status: criteria provided, single submitter. Criteria: Invitae Variant Classification Sherloc (09022015). Collection method: clinical testing. Allele origin: germline.
Comment: This sequence change replaces arginine, which is basic and polar, with tryptophan, which is neutral and slightly polar, at codon 697 of the LZTR1 protein (p.Arg697Trp). This variant is present in population databases (rs751516987, gnomAD 0.02%). This missense change has been observed in individual(s) with schwannomatosis (PMID: 25335493). ClinVar contains an entry for this variant (Variation ID: 1052307). Invitae Evidence Modeling of protein sequence and biophysical properties (such as structural, functional, and spatial information, amino acid conservation, physicochemical variation, residue mobility, and thermodynamic stability) indicates that this missense variant is not expected to disrupt LZTR1 protein function with a negative predictive value of 80%. This variant disrupts the p.Arg697 amino acid residue in LZTR1. Other variant(s) that disrupt this residue have been determined to be pathogenic (PMID: 28191889, 29469822; internal data). This suggests that this residue is clinically significant, and that variants that disrupt this residue are likely to be disease-causing. In summary, the available evidence is currently insufficient to determine the role of this variant in disease. Therefore, it has been classified as a Variant of Uncertain Significance.

Ambry Genetics
Classification: Uncertain significance for Cardiovascular phenotype; Hereditary cancer-predisposing syndrome. Last evaluated: 2025-11-18. Review status: criteria provided, single submitter. Criteria: Ambry Variant Classification Scheme 2023. Collection method: clinical testing. Allele origin: germline.
Comment: The p.R697W variant (also known as c.2089C>T), located in coding exon 18 of the LZTR1 gene, results from a C to T substitution at nucleotide position 2089. The arginine at codon 697 is replaced by tryptophan, an amino acid with dissimilar properties. Another variant at the same codon, p.R697Q (c.2090G>A), has been identified in individual(s) with features consistent with LZTR1-related schwannomatosis (Ambry internal data). The p.R697Q (c.2090G>A) variant has also been identified in the homozygous state and/or in conjunction with other LZTR1 variant(s) in individual(s) with features consistent with Noonan syndrome; in at least one instance, the variants were identified in trans (Johnston JJ et al. Genet Med, 2018 Oct;20:1175-1185; De Ridder W et al. Am J Med Genet A, 2022 Jun;188:1801-1807; Swarts JW et al. Am J Med Genet A, 2022 Nov;188:3242-3261). This amino acid position is highly conserved in available vertebrate species. In addition, this alteration is predicted to be deleterious by in silico analysis. Based on the available evidence, the clinical significance of this variant remains unclear.

GeneDx
Classification: Uncertain significance. Last evaluated: 2024-08-16. Review status: criteria provided, single submitter. Criteria: GeneDx Variant Classification Process June 2021. Collection method: clinical testing. Allele origin: germline. Affected: yes.
Comment: Observed in a patient with multiple schwannomas (PMID: 25335493); In silico analysis supports that this missense variant has a deleterious effect on protein structure/function; In silico analysis suggests this variant may impact gene splicing. In the absence of RNA/functional studies, the actual effect of this sequence change is unknown.; This variant is associated with the following publications: (PMID: 25335493, 39062695, 29469822)

Baylor Genetics
Classification: Uncertain significance for LZTR1-related schwannomatosis. Last evaluated: 2023-11-10. Review status: criteria provided, single submitter. Criteria: ACMG Guidelines, 2015. Collection method: clinical testing. Allele origin: unknown.

St. Jude Molecular Pathology, St. Jude Children's Research Hospital
Classification: Uncertain significance for Noonan syndrome 10. Last evaluated: 2023-03-15. Review status: criteria provided, single submitter. Criteria: St. Jude Assertion Criteria 2020. Collection method: clinical testing. Allele origin: germline.
Comment: The LZTR1 c.2089C>T (p.Arg697Trp) missense change has a maximum frequency of 0.016% in gnomAD v2.1.1. The in silico tool REVEL predicts a deleterious effect on protein function, but to our knowledge this prediction has not been confirmed by functional studies. This variant has been reported as de novo in an individual with schwannomatosis (PMID: 25335493). In summary, the evidence currently available is insufficient to determine the clinical significance of this variant. It has therefore been classified as of uncertain significance.??

Literature cited by the submitters: PubMed 25335493 (cited by Labcorp Genetics (formerly Invitae), Labcorp and Ambry Genetics); PubMed 28191889 (cited by Labcorp Genetics (formerly Invitae), Labcorp); PubMed 29469822 (cited by Labcorp Genetics (formerly Invitae), Labcorp).